The following is an entry in ClinVar:

ClinVar aggregate classification (germline): Uncertain significance (1 of 4 stars; one submission).

Conditions:
SEMA3C-related disorder. Also called: SEMA3C-related condition.

gnomAD v4.1: 40 of 1,613,986 alleles (0.0025%); highest among the groups gnomAD compares: Non-Finnish European, 0.0032%; no homozygotes.

Submission:

PreventionGenetics, part of Exact Sciences
Classification: Uncertain significance for SEMA3C-related condition. Last evaluated: 2024-10-16. Review status: criteria provided, single submitter. Criteria: ACMG Guidelines, 2015. Collection method: clinical testing. Allele origin: germline.
Comment: The SEMA3C c.1604A>G variant is predicted to result in the amino acid substitution p.Tyr535Cys. To our knowledge, this variant has not been reported in the literature. This variant is reported in 0.0018% of alleles in individuals of European (Non-Finnish) descent in gnomAD. At this time, the clinical significance of this variant is uncertain due to the absence of conclusive functional and genetic evidence.

NM_006379.5(SEMA3C):c.1550A>G (p.Tyr517Cys)

Gene: SEMA3C (semaphorin 3C; minus strand). Cytogenetic location: 7q21.11.
Variant type: single nucleotide variant.
Coding change: c.1550A>G on transcript NM_006379.5 (MANE Select); coding-DNA position 1550, A replaced by G.
Protein change: p.Tyr517Cys; replaces tyrosine 517 with cysteine.
Molecular consequence: missense variant.
Genome position (GRCh38, 1-based): chr7:80,758,424, T>C on the plus strand (A>G on the coding strand, the complement: SEMA3C is on the minus strand). VCF-style: chr7-80758424-T-C. GRCh37 (hg19) VCF-style: chr7-80387740-T-C.
Other names: c.1604A>G, p.Tyr535Cys (NM_001350120.2); c.1376A>G, p.Tyr459Cys (NM_001350121.2); short protein forms Y517C, Y535C, Y459C.
Identifiers: ClinVar variation 4981157 (VCV004981157.1).